The following is an entry in ClinVar:

NM_001145197.1(SPATA31D4):c.273G>A (p.Lys91=)

Genes: SPATA31D4 (SPATA31 subfamily D member 4; plus strand), LOC105376105 (uncharacterized LOC105376105; minus strand). Cytogenetic location: 9q21.32.
Variant type: single nucleotide variant.
Coding change: c.273G>A on transcript NM_001145197.1 (MANE Select); coding-DNA position 273, G replaced by A.
Protein change: p.Lys91=; no amino-acid change (lysine 91 retained).
Molecular consequence: synonymous variant.
Genome position (GRCh38, 1-based): chr9:81,930,140, G>A. VCF-style: chr9-81930140-G-A. GRCh37 (hg19) VCF-style: chr9-84545055-G-A.
Identifiers: ClinVar variation 2659273 (VCV002659273.24), dbSNP rs769663538, ClinGen allele CA5098208.

ClinVar aggregate classification (germline): Likely benign (1 of 4 stars; one submission).

Allele frequency attached by ClinVar (database versions not stated): gnomAD 0.00009; gnomAD exomes 0.00018; ExAC 0.00333.

Submission:

CeGaT Center for Human Genetics Tuebingen
Classification: Likely benign. Last evaluated: 2023-03-01. Review status: criteria provided, single submitter. Criteria: CeGaT Center For Human Genetics Tuebingen Variant Classification Criteria Version 2. Collection method: clinical testing. Allele origin: germline. Affected: yes. Observed: 1 variant allele.
Comment: SPATA31D4: BP4, BP7